The following is an entry in ClinVar:

NM_001374504.1(TMPRSS6):c.1056_1057delinsAT (p.Pro353Ser)

Gene: TMPRSS6 (transmembrane serine protease 6; minus strand). Cytogenetic location: 22q12.3.
Variant type: Indel.
Coding change: c.1056_1057delinsAT on transcript NM_001374504.1 (MANE Select); coding-DNA positions 1056 to 1057, GC replaced by AT.
Protein change: p.Pro353Ser; replaces proline 353 with serine.
Molecular consequence: missense variant.
Genome position (GRCh38, 1-based): chr22:37,084,756-37,084,757, GC replaced by AT on the plus strand (GC replaced by AT on the coding strand, the reverse complement: TMPRSS6 is on the minus strand). VCF-style: chr22-37084756-GC-AT. GRCh37 (hg19) VCF-style: chr22-37480796-GC-AT.
Other names: c.1056_1057delinsAT, p.Pro353Ser (NM_001289000.2, NM_001289001.2, NM_153609.4); short protein forms P353S.
Identifiers: ClinVar variation 3657684 (VCV003657684.2).
Genomic context (GRCh38, chr22:37,084,756, plus strand): 5'-GGGCAGGTGGGCAGGCAGGGTGGGGTCTCACCGTGAGGTGCCAGGAGCAGTGGGTTTGGG[GC>AT]GAGTAGTAGCTGGGGAAGTACGGGGTGCTGAGGACGCCCTGGGAGTCGAGCCTGTTGTCC-3'
Protein context (NP_001361433.1, residues 343-363): STPYFPSYYS[Pro353Ser]QTHCSWHLTV

ClinVar aggregate classification (germline): Uncertain significance (1 of 4 stars; one submission).

Submission:

Labcorp Genetics (formerly Invitae), Labcorp
Classification: Uncertain significance. Last evaluated: 2024-06-24. Review status: criteria provided, single submitter. Criteria: Invitae Variant Classification Sherloc (09022015). Collection method: clinical testing. Allele origin: germline.
Comment: This sequence change replaces proline, which is neutral and non-polar, with serine, which is neutral and polar, at codon 362 of the TMPRSS6 protein (p.Pro362Ser). Information on the frequency of this variant in the gnomAD database is not available, as this variant may be reported differently in the database. This variant has not been reported in the literature in individuals affected with TMPRSS6-related conditions. Experimental studies and prediction algorithms are not available or were not evaluated, and the functional significance of this variant is currently unknown. In summary, the available evidence is currently insufficient to determine the role of this variant in disease. Therefore, it has been classified as a Variant of Uncertain Significance.